The following is an entry in ClinVar:

ClinVar aggregate classification (germline): Uncertain significance (1 of 4 stars; one submission).

Conditions:
Hereditary breast ovarian cancer syndrome. Also called: Hereditary breast and ovarian cancer syndrome (HBOC); Hereditary breast and/or ovarian cancer syndrome; Hereditary breast and ovarian cancer syndrome; Breast and ovarian cancer; Hereditary breast and ovarian cancer; BRCA1- and BRCA2-Associated Hereditary Breast and Ovarian Cancer. Identifiers: Orphanet 145, MedGen C0677776, MeSH D061325, MONDO:0003582. Disease mechanism: loss of function.

Submission:

Labcorp Genetics (formerly Invitae), Labcorp
Classification: Uncertain significance for Hereditary breast ovarian cancer syndrome. Last evaluated: 2023-09-04. Review status: criteria provided, single submitter. Criteria: Invitae Variant Classification Sherloc (09022015). Collection method: clinical testing. Allele origin: germline.
Comment: In summary, the available evidence is currently insufficient to determine the role of this variant in disease. Therefore, it has been classified as a Variant of Uncertain Significance. Advanced modeling of protein sequence and biophysical properties (such as structural, functional, and spatial information, amino acid conservation, physicochemical variation, residue mobility, and thermodynamic stability) performed at Invitae indicates that this missense variant is not expected to disrupt BRCA1 protein function. This variant has not been reported in the literature in individuals affected with BRCA1-related conditions. This variant is not present in population databases (gnomAD no frequency). This sequence change replaces glutamic acid, which is acidic and polar, with lysine, which is basic and polar, at codon 686 of the BRCA1 protein (p.Glu686Lys).

NM_007294.4(BRCA1):c.2056G>A (p.Glu686Lys)

Gene: BRCA1 (BRCA1 DNA repair associated; minus strand). Cytogenetic location: 17q21.31.
Variant type: single nucleotide variant.
Coding change: c.2056G>A on transcript NM_007294.4 (MANE Select); coding-DNA position 2056, G replaced by A.
Protein change: p.Glu686Lys; replaces glutamic acid 686 with lysine.
Molecular consequence: missense variant. On other transcripts: intron variant (137).
Genome position (GRCh38, 1-based): chr17:43,093,475, C>T on the plus strand (G>A on the coding strand, the complement: BRCA1 is on the minus strand). VCF-style: chr17-43093475-C-T. GRCh37 (hg19) VCF-style: chr17-41245492-C-T.
Other names: c.583+1269G>A (NM_001408475.1); c.709+1269G>A (NM_001408412.1, NM_001408409.1, NM_001408414.1 and 2 more transcripts); c.451+1269G>A (NM_001408509.1, NM_001408508.1); c.574+1269G>A (NM_001408491.1, NM_001408493.1, NM_001408490.1); c.661+1269G>A (NM_001408435.1, NM_001408446.1, NM_001408448.1 and 6 more transcripts); c.577+1269G>A (NM_001408481.1, NM_001408480.1, NM_001408492.1 and 9 more transcripts); c.778+1269G>A (NM_001408408.1); c.2053G>A, p.Glu685Lys (NM_001407587.1, NM_001407590.1, NM_001407591.1 and 22 more transcripts); and 40 more; short protein forms E558K, E638K, E660K, E559K, E575K, E597K, E598K, E639K.
Identifiers: ClinVar variation 2757397 (VCV002757397.3), dbSNP rs587782709, ClinGen allele CA10597892.